The following is an entry in ClinVar:

ClinVar aggregate classification (germline): Uncertain significance (1 of 4 stars; one submission).

Conditions:
Landau-Kleffner syndrome (FESD). Also called: EPILEPSY, FOCAL, WITH SPEECH DISORDER AND WITH OR WITHOUT MENTAL RETARDATION; APHASIA, ACQUIRED, WITH EPILEPSY. Identifiers: Orphanet 1945, Orphanet 725, Orphanet 98818, MedGen C0282512, MONDO:0009509, OMIM 245570.

Submission:

Labcorp Genetics (formerly Invitae), Labcorp
Classification: Uncertain significance for Landau-Kleffner syndrome. Last evaluated: 2025-04-14. Review status: criteria provided, single submitter. Criteria: Invitae Variant Classification Sherloc (09022015). Collection method: clinical testing. Allele origin: germline.
Comment: This sequence change replaces methionine, which is neutral and non-polar, with isoleucine, which is neutral and non-polar, at codon 112 of the GRIN2A protein (p.Met112Ile). This variant is not present in population databases (gnomAD no frequency). This variant has not been reported in the literature in individuals affected with GRIN2A-related conditions. Invitae Evidence Modeling of protein sequence and biophysical properties (such as structural, functional, and spatial information, amino acid conservation, physicochemical variation, residue mobility, and thermodynamic stability) indicates that this missense variant is not expected to disrupt GRIN2A protein function with a negative predictive value of 95%. In summary, the available evidence is currently insufficient to determine the role of this variant in disease. Therefore, it has been classified as a Variant of Uncertain Significance.

NM_001134407.3(GRIN2A):c.336G>A (p.Met112Ile)

Gene: GRIN2A (glutamate ionotropic receptor NMDA type subunit 2A; minus strand). Cytogenetic location: 16p13.2.
Variant type: single nucleotide variant.
Coding change: c.336G>A on transcript NM_001134407.3 (MANE Select); coding-DNA position 336, G replaced by A.
Protein change: p.Met112Ile; replaces methionine 112 with isoleucine.
Molecular consequence: missense variant.
Genome position (GRCh38, 1-based): chr16:10,180,076, C>T on the plus strand (G>A on the coding strand, the complement: GRIN2A is on the minus strand). VCF-style: chr16-10180076-C-T. GRCh37 (hg19) VCF-style: chr16-10273933-C-T.
Other names: c.336G>A, p.Met112Ile (NM_000833.5, NM_001134408.2); short protein forms M112I.
Identifiers: ClinVar variation 4745856 (VCV004745856.1).